The following is an entry in ClinVar:

ClinVar aggregate classification (germline): Uncertain significance. Review status: criteria provided, single submitter (1 of 4 stars). 2 submissions from 2 submitters: Uncertain significance (1). 1 of the submissions does not count toward it. Last evaluated 2023-08-08.

Conditions:
HTR2C-related disorder. Also called: HTR2C-related condition.

Allele frequency attached by ClinVar (database versions not stated): ExAC 0.00001; TOPMed 0.00002; gnomAD 0.00003; gnomAD exomes 0.00004.
gnomAD v4.1: 50 of 1,209,581 alleles (0.0041%); highest among the groups gnomAD compares: Non-Finnish European, 0.0053%; no homozygotes.

Submissions (2):

Ambry Genetics
Classification: Uncertain significance. Last evaluated: 2023-08-08. Review status: criteria provided, single submitter. Criteria: Ambry Variant Classification Scheme 2023. Collection method: clinical testing. Allele origin: germline.

PreventionGenetics, part of Exact Sciences
Classification: Uncertain significance for HTR2C-related condition. Last evaluated: 2023-12-26. Review status: no assertion criteria provided. Collection method: clinical testing. Allele origin: germline. Not counted in ClinVar's aggregate classification.
Comment: The HTR2C c.1312G>C variant is predicted to result in the amino acid substitution p.Val438Leu. To our knowledge, this variant has not been reported in the literature. This variant is reported in 0.0076% of alleles in individuals of African descent in gnomAD. At this time, the clinical significance of this variant is uncertain due to the absence of conclusive functional and genetic evidence.

NM_000868.4(HTR2C):c.1312G>C (p.Val438Leu)

Genes: HTR2C (5-hydroxytryptamine receptor 2C; plus strand), LOC126863306 (MED14-independent group 3 enhancer GRCh37_chrX:114140926-114142125; plus strand). Cytogenetic location: Xq23.
Variant type: single nucleotide variant.
Coding change: c.1312G>C on transcript NM_000868.4 (MANE Select); coding-DNA position 1312, G replaced by C.
Protein change: p.Val438Leu; replaces valine 438 with leucine.
Molecular consequence: missense variant. On other transcripts: 3 prime UTR variant (1).
Genome position (GRCh38, 1-based): chrX:114,907,350, G>C. VCF-style: chrX-114907350-G-C. GRCh37 (hg19) VCF-style: chrX-114141913-G-C.
Other names: c.1312G>C, p.Val438Leu (NM_001256760.3); c.*470G>C (NM_001256761.3); c.1312G>C (NM_000868.3); short protein forms V438L.
Identifiers: ClinVar variation 2616738 (VCV002616738.3), dbSNP rs782209448, ClinGen allele CA10495577.
Genomic context (GRCh38, chrX:114,907,350, plus strand): 5'-CATACCAATGAACCGGTGATCGAGAAAGCCAGTGACAATGAGCCCGGTATAGAGATGCAA[G>C]TTGAGAATTTAGAGTTACCAGTAAATCCCTCCAGTGTGGTTAGCGAAAGGATTAGCAGTG-3'
Protein context (NP_000859.2, residues 428-448): SDNEPGIEMQ[Val438Leu]ENLELPVNPS